The following is an entry in ClinVar:

NM_001364905.1(LRBA):c.6820G>A (p.Ala2274Thr)

Gene: LRBA (LPS responsive beige-like anchor protein; minus strand). Cytogenetic location: 4q31.3.
Variant type: single nucleotide variant.
Coding change: c.6820G>A on transcript NM_001364905.1 (MANE Select); coding-DNA position 6820, G replaced by A.
Protein change: p.Ala2274Thr; replaces alanine 2274 with threonine.
Molecular consequence: missense variant.
Genome position (GRCh38, 1-based): chr4:150,436,825, C>T on the plus strand (G>A on the coding strand, the complement: LRBA is on the minus strand). VCF-style: chr4-150436825-C-T. GRCh37 (hg19) VCF-style: chr4-151357977-C-T.
Other names: c.6820G>A, p.Ala2274Thr (NM_001199282.3, NM_001367550.1, NM_001440431.1); c.6853G>A, p.Ala2285Thr (NM_001440430.1, NM_006726.5); c.523G>A, p.Ala175Thr (NM_001440432.1); c.517G>A, p.Ala173Thr (NM_001440433.1); short protein forms A2274T, A175T, A173T, A2285T.
Identifiers: ClinVar variation 4778884 (VCV004778884.1).
Genomic context (GRCh38, chr4:150,436,825, plus strand): 5'-AATGAGTACCATAGTGAAACTTTGGAACTTGATCATCTTCCCATGATTCATAACGCTCAG[C>T]GAAGAATGCTGCTCTTTTTGGGTTCAGAGCTCCTATTGGCTGCCAATAGGGAGGGAAAAA-3'
Protein context (NP_001351834.1, residues 2264-2284): ALNPKRAAFF[Ala2274Thr]ERYESWEDDQ

ClinVar aggregate classification (germline): Uncertain significance (1 of 4 stars; one submission).

Conditions:
Combined immunodeficiency due to LRBA deficiency. Also called: Common variable immunodeficiency 8, with autoimmunity. Identifiers: Orphanet 445018, MedGen C3553512, MONDO:0013863, OMIM 614700.

gnomAD v4.1: 17 of 1,613,564 alleles (0.0011%); highest among the groups gnomAD compares: East Asian, 0.0045%; no homozygotes.

Submission:

Labcorp Genetics (formerly Invitae), Labcorp
Classification: Uncertain significance for Combined immunodeficiency due to LRBA deficiency. Last evaluated: 2025-02-04. Review status: criteria provided, single submitter. Criteria: Invitae Variant Classification Sherloc (09022015). Collection method: clinical testing. Allele origin: germline.
Comment: This sequence change replaces alanine, which is neutral and non-polar, with threonine, which is neutral and polar, at codon 2285 of the LRBA protein (p.Ala2285Thr). This variant is present in population databases (no rsID available, gnomAD 0.006%). This variant has not been reported in the literature in individuals affected with LRBA-related conditions. Invitae Evidence Modeling of protein sequence and biophysical properties (such as structural, functional, and spatial information, amino acid conservation, physicochemical variation, residue mobility, and thermodynamic stability) indicates that this missense variant is not expected to disrupt LRBA protein function with a negative predictive value of 80%. In summary, the available evidence is currently insufficient to determine the role of this variant in disease. Therefore, it has been classified as a Variant of Uncertain Significance.